The following is an entry in ClinVar:

NM_024426.6(WT1):c.393_407dup (p.Ala132_Pro136dup)

Genes: WT1 (WT1 transcription factor; minus strand), LOC107982234 (WT1/WT1-AS bi-directional promoter region; plus strand). Cytogenetic location: 11p13.
Variant type: Duplication.
Coding change: c.393_407dup on transcript NM_024426.6 (MANE Select); coding-DNA positions 393 to 407, 15 bases duplicated (GGCTCCGCCGCCACC).
Protein change: p.Ala132_Pro136dup.
Molecular consequence: inframe insertion. On other transcripts: non-coding transcript variant (1).
Genome position (GRCh38, 1-based): chr11:32,434,954-32,434,968, GGTGGCGGCGGAGCC duplicated on the plus strand (GGCTCCGCCGCCACC on the coding strand, the reverse complement: WT1 is on the minus strand); duplicating any 15 consecutive bases within chr11:32,434,954-32,434,978 gives the same sequence; the c. name uses the placement nearest the transcript's 3' end. VCF-style (leftmost placement, unchanged base first): chr11-32434953-G-GGGTGGCGGCGGAGCC. GRCh37 (hg19) VCF-style: chr11-32456499-G-GGGTGGCGGCGGAGCC.
Other names: c.393_407dup, p.Ala132_Pro136dup (NM_000378.6, NM_024424.5).
Identifiers: ClinVar variation 1042422 (VCV001042422.5), dbSNP rs1853451296, ClinGen allele CA1962327232.
Genomic context (GRCh38, chr11:32,434,953, plus strand): 5'-CGGCTCCGCGCCGCCCCAGCTCGGCTCCTGTTTGATGAAGGAGTGAGGCGGCGGCGGCGG[G>GGGTGGCGGCGGAGCC]GGTGGCGGCGGAGCCGGTGGCGGCGCGGGGCCGCCCAACGACCCGTAAGCCGAAGCGCCC-3'

ClinVar aggregate classification (germline): Uncertain significance (1 of 4 stars; one submission).

Conditions:
Wilms tumor 1 (WT1). Also called: Wilms tumor, somatic. Identifiers: Orphanet 654, MedGen CN033288, MONDO:0008679, OMIM 194070.
11p partial monosomy syndrome (WAGR). Also called: WAGR Spectrum Disorder; WAGR Complex; WAGR syndrome; CHROMOSOME 11p13 DELETION SYNDROME. Identifiers: Orphanet 893, MedGen C0206115, MONDO:0008681, OMIM 194072.
Drash syndrome (DDS). Also called: NEPHROPATHY, WILMS TUMOR, AND GENITAL ANOMALIES; WILMS TUMOR AND PSEUDO- OR TRUE HERMAPHRODITISM. Identifiers: Orphanet 220, MedGen C0950121, MONDO:0008682, OMIM 194080.
Frasier syndrome. Identifiers: Orphanet 347, MedGen C0950122, MeSH D052159, MONDO:0007635, OMIM 136680.

Submission:

Labcorp Genetics (formerly Invitae), Labcorp
Classification: Uncertain significance for Wilms tumor 1; Drash syndrome; 11p partial monosomy syndrome; Frasier syndrome. Last evaluated: 2021-10-13. Review status: criteria provided, single submitter. Criteria: Invitae Variant Classification Sherloc (09022015). Collection method: clinical testing. Allele origin: germline.
Comment: In summary, the available evidence is currently insufficient to determine the role of this variant in disease. Therefore, it has been classified as a Variant of Uncertain Significance. Experimental studies and prediction algorithms are not available or were not evaluated, and the functional significance of this variant is currently unknown. This variant has not been reported in the literature in individuals affected with WT1-related conditions. The frequency data for this variant in the population databases is considered unreliable, as metrics indicate insufficient coverage at this position in the ExAC database. This variant, c.378_392dup, results in the insertion of 5 amino acid(s) to the WT1 protein (p.Ala127_Pro131dup), but otherwise preserves the integrity of the reading frame.